The following is an entry in ClinVar:

ClinVar aggregate classification (germline): Uncertain significance. Review status: criteria provided, multiple submitters, no conflicts (2 of 4 stars). 3 submissions from 3 submitters: Uncertain significance (3). Last evaluated 2024-02-21.

Conditions:
CHEK2-related cancer predisposition (TPDS4). Also called: CHEK2-related cancer susceptibility; TUMOR PREDISPOSITION SYNDROME 4; CANCER PREDISPOSITION SYNDROME, CHEK2-RELATED. Identifiers: Orphanet 524, MedGen C5882668, MONDO:0700271, OMIM 609265.
Hereditary cancer-predisposing syndrome. Also called: Neoplastic Syndromes, Hereditary; Tumor predisposition; Hereditary Cancer Syndrome; Hereditary neoplastic syndrome. Identifiers: Orphanet 140162, MedGen C0027672, MeSH D009386, MONDO:0015356.

Submissions (3):

Color Diagnostics, LLC DBA Color Health
Classification: Uncertain significance for Hereditary cancer-predisposing syndrome. Last evaluated: 2024-02-21. Review status: criteria provided, single submitter. Criteria: ACMG Guidelines, 2015. Collection method: clinical testing. Allele origin: germline.
Comment: This missense variant replaces serine with arginine at codon 412 of the CHEK2 protein. Computational prediction suggests that this variant may have deleterious impact on protein structure and function. A functional study in mouse embryonic stem cells showed this variant impacted KAP1 phosphorylation and protein stability (PMID: 34903604). This variant has been reported in an individual affected with breast cancer (PMID: 33471991; Leiden Open Variation Database DB-ID CHEK2_000329). This variant has not been identified in the general population by the Genome Aggregation Database (gnomAD). The available evidence is insufficient to determine the role of this variant in disease conclusively. Therefore, this variant is classified as a Variant of Uncertain Significance.

Department of Pathology and Laboratory Medicine, Sinai Health System
Classification: Uncertain significance for CHEK2-related cancer predisposition. Last evaluated: 2023-11-09. Review status: criteria provided, single submitter. Criteria: ACMG Guidelines, 2015. Collection method: clinical testing. Allele origin: germline. Affected: yes.

Ambry Genetics
Classification: Uncertain significance for Hereditary cancer-predisposing syndrome. Last evaluated: 2022-03-07. Review status: criteria provided, single submitter. Criteria: Ambry Variant Classification Scheme 2023. Collection method: clinical testing. Allele origin: germline.
Comment: The p.S412R variant (also known as c.1236T>A), located in coding exon 10 of the CHEK2 gene, results from a T to A substitution at nucleotide position 1236. The serine at codon 412 is replaced by arginine, an amino acid with dissimilar properties. This amino acid position is conserved. In addition, this alteration is predicted to be deleterious by in silico analysis. Since supporting evidence is limited at this time, the clinical significance of this alteration remains unclear.

Literature cited by the submitters: PubMed 33471991 (cited by Color Diagnostics, LLC DBA Color Health); PubMed 34903604 (cited by Color Diagnostics, LLC DBA Color Health and Department of Pathology and Laboratory Medicine, Sinai Health System).

NM_007194.4(CHEK2):c.1236T>A (p.Ser412Arg)

Gene: CHEK2 (checkpoint kinase 2; minus strand). Cytogenetic location: 22q12.1.
Variant type: single nucleotide variant.
Coding change: c.1236T>A on transcript NM_007194.4 (MANE Select); coding-DNA position 1236, T replaced by A.
Protein change: p.Ser412Arg; replaces serine 412 with arginine.
Molecular consequence: missense variant.
Genome position (GRCh38, 1-based): chr22:28,695,733, A>T on the plus strand (T>A on the coding strand, the complement: CHEK2 is on the minus strand). VCF-style: chr22-28695733-A-T. GRCh37 (hg19) VCF-style: chr22-29091721-A-T.
Other names: c.1365T>A, p.Ser455Arg (NM_001005735.3); c.573T>A, p.Ser191Arg (NM_001257387.3); c.1035T>A, p.Ser345Arg (NM_001349956.3); c.1149T>A, p.Ser383Arg (NM_145862.3); short protein forms S412R, S455R, S383R, S191R, S345R.
Identifiers: ClinVar variation 921520 (VCV000921520.7), dbSNP rs1601722002, ClinGen allele CA411096622.